The following is an entry in ClinVar:

ClinVar aggregate classification (germline): Benign. Review status: criteria provided, multiple submitters, no conflicts (2 of 4 stars). 2 submissions from 2 submitters: Benign (2). Last evaluated 2019-04-19.

Allele frequency attached by ClinVar (database versions not stated): 1000 Genomes Project 30x 0.12586; 1000 Genomes Project 0.12919; TOPMed 0.14746; gnomAD 0.15645 and 0.15834; gnomAD exomes 0.17737; ExAC 0.23700.
gnomAD v4.1: 311,278 of 1,530,052 alleles (20%); highest among the groups gnomAD compares: Middle Eastern, 25%; 33,294 homozygotes.

Submissions (2):

GeneDx
Classification: Benign. Last evaluated: 2019-04-19. Review status: criteria provided, single submitter. Criteria: GeneDx Variant Classification Process June 2021. Collection method: clinical testing. Allele origin: germline. Affected: yes.
Comment: This variant is associated with the following publications: (PMID: 30679340)

Breakthrough Genomics
Classification: Benign. Review status: criteria provided, single submitter. Criteria: ACMG Guidelines, 2015. Collection method: not provided. Allele origin: germline. Inheritance: Unknown mechanism. Affected: yes.

NM_001372060.1(ANHX):c.689C>G (p.Ser230Cys)

Gene: ANHX (anomalous homeobox; minus strand). Cytogenetic location: 12q24.33.
Variant type: single nucleotide variant.
Coding change: c.689C>G on transcript NM_001372060.1 (MANE Select); coding-DNA position 689, C replaced by G.
Protein change: p.Ser230Cys; replaces serine 230 with cysteine.
Molecular consequence: missense variant.
Genome position (GRCh38, 1-based): chr12:133,226,965, G>C on the plus strand (C>G on the coding strand, the complement: ANHX is on the minus strand). VCF-style: chr12-133226965-G-C. GRCh37 (hg19) VCF-style: chr12-133803551-G-C.
Other names: c.689C>G, p.Ser230Cys (NM_001191054.1); short protein forms S230C.
Identifiers: ClinVar variation 1296944 (VCV001296944.3), dbSNP rs36146434, ClinGen allele CA6899894.